The following is an entry in ClinVar:

NM_002880.4(RAF1):c.928A>G (p.Thr310Ala)

Gene: RAF1 (Raf-1 proto-oncogene, serine/threonine kinase; minus strand). Cytogenetic location: 3p25.2.
Variant type: single nucleotide variant.
Coding change: c.928A>G on transcript NM_002880.4 (MANE Select); coding-DNA position 928, A replaced by G.
Protein change: p.Thr310Ala; replaces threonine 310 with alanine.
Molecular consequence: missense variant. On other transcripts: non-coding transcript variant (3).
Genome position (GRCh38, 1-based): chr3:12,600,214, T>C on the plus strand (A>G on the coding strand, the complement: RAF1 is on the minus strand). VCF-style: chr3-12600214-T-C. GRCh37 (hg19) VCF-style: chr3-12641713-T-C.
Other names: c.988A>G, p.Thr330Ala (NM_001354689.3); c.928A>G, p.Thr310Ala (NM_001354690.3); c.685A>G, p.Thr229Ala (NM_001354691.3, NM_001354692.3); c.829A>G, p.Thr277Ala (NM_001354693.3); c.745A>G, p.Thr249Ala (NM_001354694.3); c.586A>G, p.Thr196Ala (NM_001354695.3); short protein forms T196A, T229A, T249A, T277A, T310A, T330A.
Identifiers: ClinVar variation 1303030 (VCV001303030.12), dbSNP rs778155315, ClinGen allele CA2259628.

ClinVar aggregate classification (germline): Conflicting classifications of pathogenicity. Review status: criteria provided, conflicting classifications (1 of 4 stars). 4 submissions from 4 submitters: Uncertain significance (2); Likely benign (2). Last evaluated 2026-02-01.

Conditions:
RASopathy. Also called: Noonan spectrum disorder; rasopathies. Identifiers: Orphanet 536391, MedGen C5555857, MONDO:0021060.

Allele frequency attached by ClinVar (database versions not stated): gnomAD exomes below 0.00001 and 0.00001; TOPMed below 0.00001; gnomAD 0.00001; ExAC 0.00002.
gnomAD v4.1: 5 of 1,614,008 alleles (0.00031%); highest among the groups gnomAD compares: Admixed American, 0.0033%; no homozygotes.

Submissions (4):

CeGaT Center for Human Genetics Tuebingen
Classification: Likely benign. Last evaluated: 2026-02-01. Review status: criteria provided, single submitter. Criteria: CeGaT Center For Human Genetics Tuebingen Variant Classification Criteria Version 2. Collection method: clinical testing. Allele origin: germline. Affected: yes. Observed: 1 variant allele.
Comment: RAF1: BP4

Labcorp Genetics (formerly Invitae), Labcorp
Classification: Likely benign for RASopathy. Last evaluated: 2025-08-04. Review status: criteria provided, single submitter. Criteria: Invitae Variant Classification Sherloc (09022015). Collection method: clinical testing. Allele origin: germline.

GeneDx
Classification: Uncertain significance. Last evaluated: 2025-03-24. Review status: criteria provided, single submitter. Criteria: GeneDx Variant Classification Process June 2021. Collection method: clinical testing. Allele origin: germline. Affected: yes.
Comment: The majority of missense variants in this gene are considered pathogenic (HGMD); In silico analysis indicates that this missense variant does not alter protein structure/function; This variant is associated with the following publications: (PMID: 24777450)

Breakthrough Genomics
Classification: Uncertain significance. Review status: criteria provided, single submitter. Criteria: ACMG Guidelines, 2015. Collection method: not provided. Allele origin: germline. Inheritance: Autosomal dominant inheritance. Affected: yes.